The following is an entry in ClinVar:

ClinVar aggregate classification (germline): Pathogenic/Likely pathogenic. Review status: criteria provided, multiple submitters, no conflicts (2 of 4 stars). 4 submissions from 4 submitters: Pathogenic (1); Likely pathogenic (3). Last evaluated 2025-11-12.

Conditions:
PDE6C-related disorder. Also called: PDE6C-related condition.
Cone dystrophy 4 (COD4). Identifiers: Orphanet 49382, MedGen C2751308, MONDO:0013129, OMIM 613093.

Allele frequency attached by ClinVar (database versions not stated): gnomAD exomes below 0.00001 and 0.00001; ExAC 0.00001; gnomAD 0.00001 and 0.00002; TOPMed 0.00001; ESP Exome Variant Server 0.00008.
gnomAD v4.1: 19 of 1,601,072 alleles (0.0012%); highest among the groups gnomAD compares: South Asian, 0.0055%; 1 homozygote.

Submissions (4):

Labcorp Genetics (formerly Invitae), Labcorp
Classification: Pathogenic. Last evaluated: 2025-11-12. Review status: criteria provided, single submitter. Criteria: Invitae Variant Classification Sherloc (09022015). Collection method: clinical testing. Allele origin: germline.
Comment: This sequence change falls in intron 5 of the PDE6C gene. It does not directly change the encoded amino acid sequence of the PDE6C protein. RNA analysis indicates that this variant induces altered splicing and likely results in a shortened protein product. This variant is present in population databases (rs374805348, gnomAD 0.01%). This variant has been observed in individuals with achromotopsia (PMID: 30080950; internal data). It has also been observed to segregate with disease in related individuals. ClinVar contains an entry for this variant (Variation ID: 191010). Variants that disrupt the consensus splice site are a relatively common cause of aberrant splicing (PMID: 17576681, 9536098). Studies have shown that this variant results in skipping of exon 5, but is expected to preserve the integrity of the reading-frame (PMID: 32552793). For these reasons, this variant has been classified as Pathogenic.

Blueprint Genetics
Classification: Likely pathogenic for PDE6C-related disorders. Last evaluated: 2024-06-24. Review status: criteria provided, single submitter. Criteria: ACMG Guidelines, 2015. Collection method: clinical testing. Allele origin: germline. Affected: yes. Observed: 1 variant allele.

3billion
Classification: Likely pathogenic for Cone dystrophy 4. Last evaluated: 2023-12-29. Review status: criteria provided, single submitter. Criteria: ACMG Guidelines, 2015. Collection method: clinical testing. Allele origin: germline. Affected: yes.
Comment: The variant is observed at an extremely low frequency in the gnomAD v2.1.1 dataset (total allele frequency: <0.001%). Predicted Consequence/Location: Intron variant In silico tools predict the variant to alter splicing and produce an abnormal transcript [SpliceAI: 0.86 (>=0.2, moderate evidence for spliceogenicity)]. The variant has been reported to be in trans with a pathogenic variant as either compound heterozygous or homozygous in at least one similarly affected unrelated individual (PMID: 32552793). The variant has been reported at least twice as pathogenic with clinical assertions and evidence for the classification (ClinVar ID: VCV000191010 /PMID: 27124789). Therefore, this variant is classified as Likely pathogenic according to the recommendation of ACMG/AMP guideline.

Genomic Medicine Center of Excellence, King Faisal Specialist Hospital and Research Centre
Classification: Likely pathogenic. Review status: criteria provided, single submitter. Criteria: ACMG Guidelines, 2015. Collection method: research. Allele origin: germline. Affected: yes.

Literature cited by the submitters: PubMed 30080950 (cited by Labcorp Genetics (formerly Invitae), Labcorp); PubMed 17576681 (cited by Labcorp Genetics (formerly Invitae), Labcorp); PubMed 9536098 (cited by Labcorp Genetics (formerly Invitae), Labcorp); PubMed 32552793 (cited by Labcorp Genetics (formerly Invitae), Labcorp and 3billion); PubMed 27124789 (cited by 3billion).

NM_006204.4(PDE6C):c.939+5G>A

Gene: PDE6C (phosphodiesterase 6C; plus strand). Cytogenetic location: 10q23.33.
Variant type: single nucleotide variant.
Coding change: c.939+5G>A on transcript NM_006204.4 (MANE Select); 5 bases into the intron after coding-DNA position 939, G replaced by A.
Molecular consequence: intron variant.
Genome position (GRCh38, 1-based): chr10:93,625,654, G>A. VCF-style: chr10-93625654-G-A. GRCh37 (hg19) VCF-style: chr10-95385411-G-A.
Identifiers: ClinVar variation 191010 (VCV000191010.10), dbSNP rs374805348, ClinGen allele CA235812.